The following is an entry in ClinVar:

ClinVar aggregate classification (germline): Uncertain significance (1 of 4 stars; one submission).

gnomAD v4.1: 1 of 1,547,884 alleles (0.000065%); no homozygotes.

Submission:

Labcorp Genetics (formerly Invitae), Labcorp
Classification: Uncertain significance. Last evaluated: 2025-02-10. Review status: criteria provided, single submitter. Criteria: Invitae Variant Classification Sherloc (09022015). Collection method: clinical testing. Allele origin: germline.
Comment: This sequence change replaces glycine, which is neutral and non-polar, with serine, which is neutral and polar, at codon 2870 of the ZNF469 protein (p.Gly2870Ser). This variant is not present in population databases (gnomAD no frequency). This variant has not been reported in the literature in individuals affected with ZNF469-related conditions. ClinVar contains an entry for this variant (Variation ID: 1415225). An algorithm developed to predict the effect of missense changes on protein structure and function (PolyPhen-2) suggests that this variant is likely to be tolerated. In summary, the available evidence is currently insufficient to determine the role of this variant in disease. Therefore, it has been classified as a Variant of Uncertain Significance.

NM_001367624.2(ZNF469):c.8692G>A (p.Gly2898Ser)

Gene: ZNF469 (zinc finger protein 469; plus strand). Cytogenetic location: 16q24.2.
Variant type: single nucleotide variant.
Coding change: c.8692G>A on transcript NM_001367624.2 (MANE Select); coding-DNA position 8692, G replaced by A.
Protein change: p.Gly2898Ser; replaces glycine 2898 with serine.
Molecular consequence: missense variant.
Genome position (GRCh38, 1-based): chr16:88,436,162, G>A. VCF-style: chr16-88436162-G-A. GRCh37 (hg19) VCF-style: chr16-88502570-G-A.
Other names: short protein forms G2898S.
Identifiers: ClinVar variation 1415225 (VCV001415225.6), dbSNP rs2142312795, ClinGen allele CA397119185.